The following is an entry in ClinVar:

ClinVar aggregate classification (germline): Likely benign. Review status: criteria provided, multiple submitters, no conflicts (2 of 4 stars). 2 submissions from 2 submitters: Likely benign (2). Last evaluated 2025-10-01.

gnomAD v4.1: 463 of 1,614,036 alleles (0.029%); highest among the groups gnomAD compares: East Asian, 0.72%; 5 homozygotes.

Submissions (2):

CeGaT Center for Human Genetics Tuebingen
Classification: Likely benign. Last evaluated: 2025-10-01. Review status: criteria provided, single submitter. Criteria: CeGaT Center For Human Genetics Tuebingen Variant Classification Criteria Version 2. Collection method: clinical testing. Allele origin: germline. Affected: yes. Observed: 2 variant alleles.
Comment: SPTBN1: BP4, BP7

Blueprint Genetics
Classification: Likely benign. Last evaluated: 2024-11-07. Review status: criteria provided, single submitter. Criteria: ACMG Guidelines, 2015. Collection method: clinical testing. Allele origin: germline.

NM_003128.3(SPTBN1):c.2136G>A (p.Ser712=)

Gene: SPTBN1 (spectrin beta, non-erythrocytic 1; plus strand). Cytogenetic location: 2p16.2.
Variant type: single nucleotide variant.
Coding change: c.2136G>A on transcript NM_003128.3 (MANE Select); coding-DNA position 2136, G replaced by A.
Protein change: p.Ser712=; no amino-acid change (serine 712 retained).
Molecular consequence: synonymous variant.
Genome position (GRCh38, 1-based): chr2:54,629,270, G>A. VCF-style: chr2-54629270-G-A. GRCh37 (hg19) VCF-style: chr2-54856407-G-A.
Other names: c.2097G>A, p.Ser699= (NM_178313.3).
Identifiers: ClinVar variation 3904898 (VCV003904898.11).
Genomic context (GRCh38, chr2:54,629,270, plus strand): 5'-CCACTTTGAGCAGGCCATCAAGGAAGGCGAAGACATGATCGCGGAGGAGCACTTCGGGTC[G>A]GAGAAGATCCGTGAGAGGATCATTTACATCCGGGAGCAGTGGGCCAACCTAGAGCAGCTC-3'
Protein context (NP_003119.2, residues 702-722): EDMIAEEHFG[Ser712=]EKIRERIIYI